The following is an entry in ClinVar:

ClinVar aggregate classification (germline): Likely benign. Review status: criteria provided, multiple submitters, no conflicts (2 of 4 stars). 3 submissions from 3 submitters: Likely benign (2). 1 of the submissions does not count toward it. Last evaluated 2026-01-24.

Conditions:
COL9A1-related disorder. Also called: COL9A1-related disorders; COL9A1-related condition.

Allele frequency attached by ClinVar (database versions not stated): gnomAD 0.00001 and 0.00002; gnomAD exomes 0.00008 and 0.00020; 1000 Genomes Project 30x 0.00016; ExAC 0.00017; 1000 Genomes Project 0.00020.
gnomAD v4.1: 118 of 1,613,542 alleles (0.0073%); highest among the groups gnomAD compares: South Asian, 0.12%; 1 homozygote.

Submissions (3):

Labcorp Genetics (formerly Invitae), Labcorp
Classification: Likely benign. Last evaluated: 2026-01-24. Review status: criteria provided, single submitter. Criteria: Invitae Variant Classification Sherloc (09022015). Collection method: clinical testing. Allele origin: germline.

Blueprint Genetics
Classification: Likely benign. Last evaluated: 2023-08-24. Review status: criteria provided, single submitter. Criteria: ACMG Guidelines, 2015. Collection method: clinical testing. Allele origin: germline.

PreventionGenetics, part of Exact Sciences
Classification: Likely benign for COL9A1-related condition. Last evaluated: 2023-03-21. Review status: no assertion criteria provided. Collection method: clinical testing. Allele origin: germline. Not counted in ClinVar's aggregate classification.
Comment: This variant is classified as likely benign based on ACMG/AMP sequence variant interpretation guidelines (Richards et al. 2015 PMID: 25741868, with internal and published modifications).

NM_001851.6(COL9A1):c.1458G>C (p.Arg486=)

Gene: COL9A1 (collagen type IX alpha 1 chain; minus strand). Cytogenetic location: 6q13.
Variant type: single nucleotide variant.
Coding change: c.1458G>C on transcript NM_001851.6 (MANE Select); coding-DNA position 1458, G replaced by C.
Protein change: p.Arg486=; no amino-acid change (arginine 486 retained).
Molecular consequence: synonymous variant. On other transcripts: non-coding transcript variant (1).
Genome position (GRCh38, 1-based): chr6:70,256,813, C>G on the plus strand (G>C on the coding strand, the complement: COL9A1 is on the minus strand). VCF-style: chr6-70256813-C-G. GRCh37 (hg19) VCF-style: chr6-70966516-C-G.
Other names: c.729G>C, p.Arg243= (NM_001377289.1, NM_001377290.1, NM_078485.4); c.1458G>C (NM_001851.4).
Identifiers: ClinVar variation 1455800 (VCV001455800.11), dbSNP rs569743763, ClinGen allele CA3882187.